The following is an entry in ClinVar:

ClinVar aggregate classification (germline): Uncertain significance. Review status: criteria provided, multiple submitters, no conflicts (2 of 4 stars). 2 submissions from 2 submitters: Uncertain significance (2). Last evaluated 2025-09-03.

Conditions:
Hereditary cancer-predisposing syndrome. Also called: Neoplastic Syndromes, Hereditary; Tumor predisposition; Hereditary Cancer Syndrome; Hereditary neoplastic syndrome. Identifiers: Orphanet 140162, MedGen C0027672, MeSH D009386, MONDO:0015356.
Pheochromocytoma. Also called: MAX-Related Hereditary Paraganglioma-Pheochromocytoma Syndrome. Identifiers: Orphanet 29072, MedGen C0031511, MONDO:0008233, OMIM 171300, HP:0002666.
Pheochromocytoma/paraganglioma syndrome 4. Also called: CAROTID BODY TUMORS AND MULTIPLE EXTRAADRENAL PHEOCHROMOCYTOMAS; PARAGANGLIOMA, FAMILIAL MALIGNANT; PARAGANGLIOMAS, HEREDITARY EXTRAADRENAL; PHEOCHROMOCYTOMA, FAMILIAL EXTRAADRENAL; Paragangliomas 4; SDHB-Related Hereditary Paraganglioma-Pheochromocytoma Syndrome (Paragangliomas 4). Identifiers: Orphanet 29072, MedGen C1861848, MONDO:0007273, OMIM 115310.
Gastrointestinal stromal tumor. Also called: Gastrointestinal stromal tumor, somatic; Gastrointestinal stroma tumor. Identifiers: Orphanet 44890, MedGen C0238198, MeSH D046152, MONDO:0011719, OMIM 606764, HP:0100723.

Allele frequency attached by ClinVar (database versions not stated): gnomAD 0.00001.
gnomAD v4.1: 1 of 1,613,968 alleles (0.000062%); highest among the groups gnomAD compares: African/African-American, 0.0013%; no homozygotes.

Submissions (2):

Labcorp Genetics (formerly Invitae), Labcorp
Classification: Uncertain significance for Gastrointestinal stromal tumor; Pheochromocytoma/paraganglioma syndrome 4; Pheochromocytoma. Last evaluated: 2025-09-03. Review status: criteria provided, single submitter. Criteria: Invitae Variant Classification Sherloc (09022015). Collection method: clinical testing. Allele origin: germline.
Comment: This sequence change replaces leucine, which is neutral and non-polar, with valine, which is neutral and non-polar, at codon 240 of the SDHB protein (p.Leu240Val). This variant is not present in population databases (gnomAD no frequency). This variant has not been reported in the literature in individuals affected with SDHB-related conditions. ClinVar contains an entry for this variant (Variation ID: 1757579). Invitae Evidence Modeling of protein sequence and biophysical properties (such as structural, functional, and spatial information, amino acid conservation, physicochemical variation, residue mobility, and thermodynamic stability) indicates that this missense variant is not expected to disrupt SDHB protein function with a negative predictive value of 80%. In summary, the available evidence is currently insufficient to determine the role of this variant in disease. Therefore, it has been classified as a Variant of Uncertain Significance.

Ambry Genetics
Classification: Uncertain significance for Hereditary cancer-predisposing syndrome. Last evaluated: 2022-10-30. Review status: criteria provided, single submitter. Criteria: Ambry Variant Classification Scheme 2023. Collection method: clinical testing. Allele origin: germline.
Comment: The p.L240V variant (also known as c.718C>G), located in coding exon 7 of the SDHB gene, results from a C to G substitution at nucleotide position 718. The leucine at codon 240 is replaced by valine, an amino acid with highly similar properties. This amino acid position is conserved. In addition, the in silico prediction for this alteration is inconclusive. Since supporting evidence is limited at this time, the clinical significance of this alteration remains unclear.

NM_003000.3(SDHB):c.718C>G (p.Leu240Val)

Gene: SDHB (succinate dehydrogenase complex iron sulfur subunit B; minus strand). Cytogenetic location: 1p36.13.
Variant type: single nucleotide variant.
Coding change: c.718C>G on transcript NM_003000.3 (MANE Select); coding-DNA position 718, C replaced by G.
Protein change: p.Leu240Val; replaces leucine 240 with valine.
Molecular consequence: missense variant.
Genome position (GRCh38, 1-based): chr1:17,022,655, G>C on the plus strand (C>G on the coding strand, the complement: SDHB is on the minus strand). VCF-style: chr1-17022655-G-C. GRCh37 (hg19) VCF-style: chr1-17349150-G-C.
Other names: c.664C>G, p.Leu222Val (NM_001407361.1); short protein forms L222V, L240V.
Identifiers: ClinVar variation 1757579 (VCV001757579.3), dbSNP rs1570944818, ClinGen allele CA338270235.
Genomic context (GRCh38, chr1:17,022,655, plus strand): 5'-CAGCCCCACGTACCTTAGGACAGGTCCTTGTGCAGTTCATGATGGTGTGGCAGCGGTATA[G>C]AGAGAATGGGTCCTGCAGCTTGGCCAGGCGCTCCTCTGTGAAGTCATCTCTGGAGTCAAT-3'
Protein context (NP_002991.2, residues 230-250): RLAKLQDPFS[Leu240Val]YRCHTIMNCT